The following is an entry in ClinVar:

NM_001458.5(FLNC):c.7111G>A (p.Val2371Ile)

Genes: FLNC (filamin C; plus strand), FLNC-AS1 (FLNC antisense RNA 1; minus strand). Cytogenetic location: 7q32.1.
Variant type: single nucleotide variant.
Coding change: c.7111G>A on transcript NM_001458.5 (MANE Select); coding-DNA position 7111, G replaced by A.
Protein change: p.Val2371Ile; replaces valine 2371 with isoleucine.
Molecular consequence: missense variant.
Genome position (GRCh38, 1-based): chr7:128,854,888, G>A. VCF-style: chr7-128854888-G-A. GRCh37 (hg19) VCF-style: chr7-128494942-G-A.
Other names: c.7012G>A, p.Val2338Ile (NM_001127487.2); short protein forms V2371I, V2338I.
Identifiers: ClinVar variation 539410 (VCV000539410.14), dbSNP rs552252122, ClinGen allele CA4476160.

ClinVar aggregate classification (germline): Conflicting classifications of pathogenicity. Review status: criteria provided, conflicting classifications (1 of 4 stars). 4 submissions from 4 submitters: Uncertain significance (2); Likely benign (2). Last evaluated 2026-01-11.

Conditions:
Myofibrillar myopathy 5. Also called: Filaminopathy (type); FILAMINOPATHY, AUTOSOMAL DOMINANT. Identifiers: Orphanet 171445, MedGen C1836050, MONDO:0012289, OMIM 609524.
Distal myopathy with posterior leg and anterior hand involvement. Also called: WILLIAMS DISTAL MYOPATHY. Identifiers: Orphanet 63273, MedGen C3279722, MONDO:0013550, OMIM 614065.
Hypertrophic cardiomyopathy 26. Also called: Cardiomyopathy, familial hypertrophic, 26. Identifiers: Orphanet 75249, MedGen C4310749, MONDO:0014883, OMIM 617047.
Cardiomyopathy (CMYO). Also called: Cardiomyopathies. Identifiers: Orphanet 167848, MedGen C0878544, MONDO:0004994, HP:0001638. Inheritance: Various modes of inheritance.
Cardiovascular phenotype. Identifiers: MedGen CN230736.

Allele frequency attached by ClinVar (database versions not stated): gnomAD exomes 0.00002 and 0.00004; ExAC 0.00004; gnomAD 0.00005; TOPMed 0.00006; 1000 Genomes Project 30x 0.00016; 1000 Genomes Project 0.00020.
gnomAD v4.1: 37 of 1,614,044 alleles (0.0023%); highest among the groups gnomAD compares: African/African-American, 0.012%; no homozygotes.

Submissions (4):

Labcorp Genetics (formerly Invitae), Labcorp
Classification: Likely benign for Distal myopathy with posterior leg and anterior hand involvement; Myofibrillar myopathy 5; Hypertrophic cardiomyopathy 26. Last evaluated: 2026-01-11. Review status: criteria provided, single submitter. Criteria: Invitae Variant Classification Sherloc (09022015). Collection method: clinical testing. Allele origin: germline.

Blueprint Genetics
Classification: Likely benign. Last evaluated: 2024-09-20. Review status: criteria provided, single submitter. Criteria: ACMG Guidelines, 2015. Collection method: clinical testing. Allele origin: germline.

Ambry Genetics
Classification: Uncertain significance for Cardiovascular phenotype. Last evaluated: 2024-04-26. Review status: criteria provided, single submitter. Criteria: Ambry Variant Classification Scheme 2023. Collection method: clinical testing. Allele origin: germline.
Comment: The p.V2371I variant (also known as c.7111G>A), located in coding exon 42 of the FLNC gene, results from a G to A substitution at nucleotide position 7111. The valine at codon 2371 is replaced by isoleucine, an amino acid with highly similar properties. This amino acid position is highly conserved in available vertebrate species. In addition, the in silico prediction for this alteration is inconclusive. Since supporting evidence is limited at this time, the clinical significance of this alteration remains unclear.

CHEO Genetics Diagnostic Laboratory, Children's Hospital of Eastern Ontario
Classification: Uncertain significance for Cardiomyopathy. Last evaluated: 2021-11-04. Review status: criteria provided, single submitter. Criteria: ACMG Guidelines, 2015. Collection method: clinical testing. Allele origin: germline.